The following is an entry in ClinVar:

ClinVar aggregate classification (germline): Uncertain significance (1 of 4 stars; one submission).

Submission:

Labcorp Genetics (formerly Invitae), Labcorp
Classification: Uncertain significance. Last evaluated: 2025-08-15. Review status: criteria provided, single submitter. Criteria: Invitae Variant Classification Sherloc (09022015). Collection method: clinical testing. Allele origin: germline.
Comment: This sequence change replaces threonine, which is neutral and polar, with isoleucine, which is neutral and non-polar, at codon 149 of the SI protein (p.Thr149Ile). This variant is not present in population databases (gnomAD no frequency). This variant has not been reported in the literature in individuals affected with SI-related conditions. ClinVar contains an entry for this variant (Variation ID: 2714916). An algorithm developed to predict the effect of missense changes on protein structure and function outputs the following: PolyPhen-2: "Benign". The isoleucine amino acid residue is found in multiple mammalian species, which suggests that this missense change does not adversely affect protein function. In summary, the available evidence is currently insufficient to determine the role of this variant in disease. Therefore, it has been classified as a Variant of Uncertain Significance.

NM_001041.4(SI):c.446C>T (p.Thr149Ile)

Gene: SI (sucrase-isomaltase; minus strand). Cytogenetic location: 3q26.1.
Variant type: single nucleotide variant.
Coding change: c.446C>T on transcript NM_001041.4 (MANE Select); coding-DNA position 446, C replaced by T.
Protein change: p.Thr149Ile; replaces threonine 149 with isoleucine.
Molecular consequence: missense variant.
Genome position (GRCh38, 1-based): chr3:165,068,759, G>A on the plus strand (C>T on the coding strand, the complement: SI is on the minus strand). VCF-style: chr3-165068759-G-A. GRCh37 (hg19) VCF-style: chr3-164786547-G-A.
Other names: short protein forms T149I.
Identifiers: ClinVar variation 2714916 (VCV002714916.3), dbSNP rs2473436504, ClinGen allele CA355034888.